The following is an entry in ClinVar:

ClinVar aggregate classification (germline): Pathogenic. Review status: criteria provided, multiple submitters, no conflicts (2 of 4 stars). 2 submissions from 2 submitters: Pathogenic (2). Last evaluated 2023-06-16.

Conditions:
Osteogenesis imperfecta type 8 (OI8). Identifiers: MedGen C1970458, MONDO:0012581, OMIM 610915.

Submissions (2):

Labcorp Genetics (formerly Invitae), Labcorp
Classification: Pathogenic for Osteogenesis imperfecta type 8. Last evaluated: 2023-06-16. Review status: criteria provided, single submitter. Criteria: Invitae Variant Classification Sherloc (09022015). Collection method: clinical testing. Allele origin: germline.
Comment: ClinVar contains an entry for this variant (Variation ID: 1691307). This variant disrupts the KDEL domain (p.Lys733-p.Leu736) of the P3H1 protein that is required for the cellular retention and activity of certain types of proteins (PMID: 3545499). This variant disrupts a region of the P3H1 protein in which other variant(s) (p.Gln722*) have been determined to be pathogenic (PMID: 27864101). This suggests that this is a clinically significant region of the protein, and that variants that disrupt it are likely to be disease-causing. For these reasons, this variant has been classified as Pathogenic. This premature translational stop signal has been observed in individual(s) with clinical features of osteogenesis imperfecta (PMID: 29499418). This sequence change creates a premature translational stop signal (p.Gln715*) in the P3H1 gene. While this is not anticipated to result in nonsense mediated decay, it is expected to disrupt the last 22 amino acid(s) of the P3H1 protein. This variant is not present in population databases (gnomAD no frequency).

Diagnostics Services (NGS), CSIR - Centre For Cellular And Molecular Biology
Classification: Pathogenic for Osteogenesis imperfecta type 8. Last evaluated: 2022-05-06. Review status: criteria provided, single submitter. Criteria: ACMG Guidelines, 2015. Collection method: clinical testing. Allele origin: germline. Inheritance: Autosomal recessive inheritance. Affected: yes. Observed: 1 variant allele, 1 homozygote.
Comment: The c.2143C>T variant is not present in publicly available population databases like 1000 Genomes, Exome Variant Server (EVS), Exome Aggregation Consortium (ExAC), Genome Aggregation Database (gnomAD) and Indian Exome Database. The variant was previously identified in patients affected with autosomal recessive Osteogenesis imperfecta and published (PMID: 29499418). The variant was not reported to Clinvar, Human Genome Mutation Database (HGMD) and/or OMIM databases, in any affected individuals. In-silico pathogenicity prediction programs like MutationTaster2, CADD, Varsome, InterVar etc. predicted this variant to be likely deleterious.

Literature cited by the submitters: PubMed 3545499 (cited by Labcorp Genetics (formerly Invitae), Labcorp); PubMed 27864101 (cited by Labcorp Genetics (formerly Invitae), Labcorp); PubMed 29499418 (cited by Labcorp Genetics (formerly Invitae), Labcorp and Diagnostics Services (NGS), CSIR - Centre For Cellular And Molecular Biology).

NM_022356.4(P3H1):c.2143C>T (p.Gln715Ter)

Gene: P3H1 (prolyl 3-hydroxylase 1; minus strand). Cytogenetic location: 1p34.2.
Variant type: single nucleotide variant.
Coding change: c.2143C>T on transcript NM_022356.4 (MANE Select); coding-DNA position 2143, C replaced by T.
Protein change: p.Gln715Ter; replaces glutamine 715 with a stop codon.
Molecular consequence: nonsense. On other transcripts: 3 prime UTR variant (2).
Genome position (GRCh38, 1-based): chr1:42,746,765, G>A on the plus strand (C>T on the coding strand, the complement: P3H1 is on the minus strand). VCF-style: chr1-42746765-G-A. GRCh37 (hg19) VCF-style: chr1-43212436-G-A.
Other names: c.*68C>T (NM_001146289.2); c.*147C>T (NM_001243246.2); short protein forms Q715*.
Identifiers: ClinVar variation 1691307 (VCV001691307.7), dbSNP rs2124072579, ClinGen allele CA339950536.